The following continues an entry in ClinVar:

NM_000257.4(MYH7):c.4954G>T (p.Asp1652Tyr)

ClinVar aggregate classification (germline): Conflicting classifications of pathogenicity. Uncertain significance (13); Likely benign (1).

Submissions 8 to 14 of 14:

CHEO Genetics Diagnostic Laboratory, Children's Hospital of Eastern Ontario
Classification: Uncertain significance for Cardiomyopathy. Last evaluated: 2023-05-16. Review status: criteria provided, single submitter. Criteria: ACMG Guidelines, 2015. Collection method: clinical testing. Allele origin: germline. Study: Canadian Open Genetics Repository.

Revvity Omics, Revvity
Classification: Uncertain significance. Last evaluated: 2021-10-26. Review status: criteria provided, single submitter. Criteria: ACMG Guidelines, 2015. Collection method: clinical testing. Allele origin: germline.

Servicio Canario de Salud, Hospital Universitario Nuestra Sra. de Candelaria
Classification: Uncertain significance for Hypertrophic cardiomyopathy 1. Last evaluated: 2021-09-23. Review status: criteria provided, single submitter. Criteria: ACMG Guidelines, 2015. Collection method: clinical testing. Allele origin: germline. Inheritance: Autosomal dominant inheritance. Affected: yes. Observed: 1 heterozygote.
Comment: This variant is present in population databases (gnomAD allele frequency 0.00004774, 12/251342 alleles) being more frequent in the Latino population (gnomAD allele frequency 0.0001446). This variant has been previously reported in a patients with hypertrophic cardiomyopathy [PMID 28790153, 27247418, 27532257, 28356264]. ClinVar contains an entry for this variant (Variation ID: 43047). In silico analysis (CADD, Mutation Taster, SIFT, Provean, PolyPhen2) supports that this missense variant has a deleterious effect on protein structure/function. Some in silico splicing studies predict that it affects the natural splicing acceptor of intron 34, but there are no in vitro or in vivo functional studies, as well as RNA studies that have verified this aspect. In summary, c.4954G>T (p.Asp1652Tyr) MYH7 variant is currently insufficient to determine the role of this variant in disease. Therefore, it has been classified as a Variant of Uncertain Significance.

Fulgent Genetics
Classification: Uncertain significance for MYH7-related skeletal myopathy; Myosin storage myopathy; Hypertrophic cardiomyopathy 1; Myopathy, myosin storage, autosomal recessive; Congenital myopathy 4A, autosomal dominant; Dilated cardiomyopathy 1S. Last evaluated: 2021-08-05. Review status: criteria provided, single submitter. Criteria: ACMG Guidelines, 2015. Collection method: clinical testing. Allele origin: unknown.

AiLife Diagnostics
Classification: Uncertain significance. Last evaluated: 2021-07-01. Review status: criteria provided, single submitter. Criteria: ACMG Guidelines, 2015. Collection method: clinical testing. Allele origin: germline. Affected: yes. Observed: 1 variant allele.

Laboratory for Molecular Medicine, Mass General Brigham Personalized Medicine
Classification: Uncertain significance for Hypertrophic cardiomyopathy. Last evaluated: 2019-04-05. Review status: criteria provided, single submitter. Criteria: ACMG Guidelines, 2015. Collection method: clinical testing. Allele origin: germline.
Comment: Disclaimer: This variant has not undergone full assessment. Predicted pathogenic. Gnomad: 0.01%. Clinvar: VUS (GeneDx, Agnes Ginges, LMM), LP (Invitae).

Agnes Ginges Centre for Molecular Cardiology, Centenary Institute
Classification: Uncertain significance for Hypertrophic cardiomyopathy 1. Last evaluated: 2017-03-09. Review status: criteria provided, single submitter. Criteria: Agnes Ginges Centre for Molecular Cardiology criteria (2015). Collection method: research. Allele origin: germline. Inheritance: Autosomal dominant inheritance. Affected: yes.
Comment: This MYH7 Asp1652Tyr variant has been described in two Italian HCM patients (Frisso G, et al., 2009; Roncarati R, et al., 2011). Segregation analysis provided by Frisso G et al. (2009) identified two family members who also carry this variant. Both members however, did not have typical HCM characteristics but rather a dilated (proband's sister) and restrictive (proband's father) cardiomyopathy phenotype. The MYH7 Asp1652Tyr variant is absent in 1000 genomes project, and has a frequency of 0.00002475 in the Exome Aggregation Consortium dataset. Aspartic acid at position 1652 is highly conserved across distantly related species, and computational tools predict the Asp1652Tyr to be "deleterious" (SIFT) and "disease-causing" (MutationTaster). Additionally, Polyphen_HCM (Jordan DM, et al., 2011) predicts that this MYH7 Asp1652Tyr variant is causative of the disease. Based on this information, we classify MYH7 Asp1652Tyr as a variant of "uncertain significance".

Literature cited by the submitters: PubMed 19659763 (cited by 7 submitters); PubMed 21302287 (cited by 6 submitters); PubMed 27247418 (cited by 5 submitters); PubMed 27532257 (cited by 4 submitters); PubMed 28356264 (cited by 4 submitters); PubMed 28790153 (cited by 3 submitters); PubMed 32528171 (cited by 3 submitters); PubMed 28408708 (cited by Ambry Genetics); PubMed 33495597 (cited by Ambry Genetics and Color Diagnostics, LLC DBA Color Health); PubMed 33588347 (cited by 3 submitters); PubMed 34542152 (cited by Ambry Genetics); PubMed 36129056 (cited by Ambry Genetics); PubMed 37821546 (cited by Ambry Genetics and Color Diagnostics, LLC DBA Color Health); PubMed 38999502 (cited by Ambry Genetics); PubMed 40879562 (cited by Ambry Genetics); PubMed 33495596 (cited by Color Diagnostics, LLC DBA Color Health).